The following is an entry in ClinVar:

NM_199420.4(POLQ):c.7744T>G (p.Trp2582Gly)

Gene: POLQ (DNA polymerase theta; minus strand). Cytogenetic location: 3q13.33.
Variant type: single nucleotide variant.
Coding change: c.7744T>G on transcript NM_199420.4 (MANE Select); coding-DNA position 7744, T replaced by G.
Protein change: p.Trp2582Gly; replaces tryptophan 2582 with glycine.
Molecular consequence: missense variant.
Genome position (GRCh38, 1-based): chr3:121,432,333, A>C on the plus strand (T>G on the coding strand, the complement: POLQ is on the minus strand). VCF-style: chr3-121432333-A-C. GRCh37 (hg19) VCF-style: chr3-121151180-A-C.
Other names: short protein forms W2582G.
Identifiers: ClinVar variation 1760414 (VCV001760414.2), dbSNP rs2047500937, ClinGen allele CA354092538.

ClinVar aggregate classification (germline): Uncertain significance (1 of 4 stars; one submission).

Submission:

Ambry Genetics
Classification: Uncertain significance. Last evaluated: 2022-08-10. Review status: criteria provided, single submitter. Criteria: Ambry Variant Classification Scheme 2023. Collection method: clinical testing. Allele origin: germline.
Comment: The p.W2582G variant (also known as c.7744T>G), located in coding exon 30 of the POLQ gene, results from a T to G substitution at nucleotide position 7744. The tryptophan at codon 2582 is replaced by glycine, an amino acid with highly dissimilar properties. This amino acid position is conserved. In addition, this alteration is predicted to be deleterious by in silico analysis. Since supporting evidence is limited at this time, the clinical significance of this alteration remains unclear.